The following is an entry in ClinVar:

NM_013261.5(PPARGC1A):c.390C>T (p.Asp130=)

Gene: PPARGC1A (PPARG coactivator 1 alpha; minus strand). Cytogenetic location: 4p15.2.
Variant type: single nucleotide variant.
Coding change: c.390C>T on transcript NM_013261.5 (MANE Select); coding-DNA position 390, C replaced by T.
Protein change: p.Asp130=; no amino-acid change (aspartic acid 130 retained).
Molecular consequence: synonymous variant. On other transcripts: non-coding transcript variant (7).
Genome position (GRCh38, 1-based): chr4:23,831,596, G>A on the plus strand (C>T on the coding strand, the complement: PPARGC1A is on the minus strand). VCF-style: chr4-23831596-G-A. GRCh37 (hg19) VCF-style: chr4-23833219-G-A.
Other names: c.405C>T, p.Asp135= (NM_001330751.2, NM_001354825.2, NM_001354827.2); c.354C>T, p.Asp118= (NM_001330752.2); c.9C>T, p.Asp3= (NM_001330753.2, NM_001354826.2); c.405C>T (NM_001330751.1).
Identifiers: ClinVar variation 713303 (VCV000713303.6), dbSNP rs35891516, ClinGen allele CA2875543.

ClinVar aggregate classification (germline): Benign. Review status: criteria provided, multiple submitters, no conflicts (2 of 4 stars). 3 submissions from 3 submitters: Benign (2). 1 of the submissions does not count toward it. Last evaluated 2018-07-04.

Conditions:
PPARGC1A-related disorder. Also called: PPARGC1A-related condition.

Allele frequency attached by ClinVar (database versions not stated): gnomAD exomes 0.00056 and 0.00160; ExAC 0.00198; 1000 Genomes Project 0.00499; gnomAD 0.00513 and 0.00554; 1000 Genomes Project 30x 0.00515; TOPMed 0.00606; ESP Exome Variant Server 0.00715.
gnomAD v4.1: 1,629 of 1,614,094 alleles (0.1%); highest among the groups gnomAD compares: African/African-American, 1.9%; 15 homozygotes.

Submissions (3):

Labcorp Genetics (formerly Invitae), Labcorp
Classification: Benign. Last evaluated: 2018-07-04. Review status: criteria provided, single submitter. Criteria: Invitae Variant Classification Sherloc (09022015). Collection method: clinical testing. Allele origin: germline.

Breakthrough Genomics
Classification: Benign. Review status: criteria provided, single submitter. Criteria: ACMG Guidelines, 2015. Collection method: not provided. Allele origin: germline. Inheritance: Unknown mechanism. Affected: yes.

PreventionGenetics, part of Exact Sciences
Classification: Benign for PPARGC1A-related condition. Last evaluated: 2019-02-22. Review status: no assertion criteria provided. Collection method: clinical testing. Allele origin: germline. Not counted in ClinVar's aggregate classification.
Comment: This variant is classified as benign based on ACMG/AMP sequence variant interpretation guidelines (Richards et al. 2015 PMID: 25741868, with internal and published modifications).